The following is an entry in ClinVar:

NM_000297.4(PKD2):c.428del (p.Gly143fs)

Genes: PKD2 (polycystin 2, transient receptor potential cation channel; plus strand), LOC129992813 (ATAC-STARR-seq lymphoblastoid silent region 15559; plus strand). Cytogenetic location: 4q22.1.
Variant type: Deletion.
Coding change: c.428del on transcript NM_000297.4 (MANE Select); coding-DNA position 428, one base deleted (G; older notation c.428delG).
Protein change: p.Gly143fs; shifts the reading frame from glycine 143.
Molecular consequence: frameshift variant. On other transcripts: non-coding transcript variant (1).
Genome position (GRCh38, 1-based): chr4:88,008,161, G deleted; the last of 5 consecutive G bases (chr4:88,008,157-88,008,161); deleting any one gives the same sequence. VCF-style (leftmost placement, unchanged base first): chr4-88008156-TG-T. GRCh37 (hg19) VCF-style: chr4-88929308-TG-T.
Other names: short protein forms G143fs.
Identifiers: ClinVar variation 3382039 (VCV003382039.3).

ClinVar aggregate classification (germline): Pathogenic. Review status: criteria provided, multiple submitters, no conflicts (2 of 4 stars). 2 submissions from 2 submitters: Pathogenic (2). Last evaluated 2019-09-06.

Conditions:
PKD2-related disorder. Also called: PKD2-related condition.
Polycystic kidney disease 2 (PKD2). Also called: Polycystic Kidney Disease 2, Autosomal Dominant; POLYCYSTIC KIDNEY DISEASE 2 WITH OR WITHOUT POLYCYSTIC LIVER DISEASE; POLYCYSTIC KIDNEY DISEASE, ADULT, TYPE II. Identifiers: MedGen C2751306, MONDO:0013131, OMIM 613095.

Submissions (2):

Blueprint Genetics
Classification: Pathogenic for PKD2-related disorders. Last evaluated: 2019-09-06. Review status: criteria provided, single submitter. Criteria: ACMG Guidelines, 2015. Collection method: clinical testing. Allele origin: germline. Affected: yes. Observed: 1 variant allele.

Juno Genomics, Hangzhou Juno Genomics, Inc
Classification: Pathogenic for Polycystic kidney disease 2. Review status: criteria provided, single submitter. Criteria: ACMG Guidelines, 2015. Collection method: clinical testing. Allele origin: germline. Affected: yes.
Comment: Null variant in a gene where loss of function (LOF) is a known mechanism of disease.;The prevalence of the variant in affected individuals is significantly increased compared to the prevalence in controls.;Absent from controls (or at extremely low frequency if recessive) in Genome Aggregation Database, Exome Sequencing Project, 1000 Genomes Project, or Exome Aggregation Consortium.;Patient's phenotype or family history is highly specific for a disease with a single genetic etiology.